The following is an entry in ClinVar:

NM_000051.4(ATM):c.3338del (p.Pro1112_Leu1113insTer)

Gene: ATM (ATM serine/threonine kinase; plus strand). Cytogenetic location: 11q22.3.
Variant type: Deletion.
Coding change: c.3338del on transcript NM_000051.4 (MANE Select); coding-DNA position 3338, one base deleted (T; older notation c.3338delT).
Protein change: p.Pro1112_Leu1113insTer.
Molecular consequence: nonsense.
Genome position (GRCh38, 1-based): chr11:108,279,544, T deleted; the last of 3 consecutive T bases (chr11:108,279,542-108,279,544); deleting any one gives the same sequence. VCF-style (leftmost placement, unchanged base first): chr11-108279541-CT-C. GRCh37 (hg19) VCF-style: chr11-108150268-CT-C.
Other names: c.3338del, p.Pro1112_Leu1113insTer (NM_001351834.2).
Identifiers: ClinVar variation 3633153 (VCV003633153.2).
Genomic context (GRCh38, chr11:108,279,541, plus strand): 5'-TTGTTTTAAGATTGTTCCAGGACACGAAGGGAGATTCTTCCAGGTTACTGAAAGCACTTC[CT>C]TTGAAGCTTCAGCAAACAGCTTTTGAAAATGCATACTTGAAAGCTCAGGAAGGAATGAGA-3'

ClinVar aggregate classification (germline): Pathogenic (1 of 4 stars; one submission).

Conditions:
Ataxia-telangiectasia syndrome (AT). Also called: ATAXIA-TELANGIECTASIA, COMPLEMENTATION GROUP A; ATAXIA-TELANGIECTASIA, FRESNO VARIANT; LOUIS-BAR SYNDROME; Cerebello-oculocutaneous telangiectasia; Immunodeficiency with ataxia telangiectasia; Ataxia-telangiectasia, complementation group E. Identifiers: Orphanet 100, MedGen C0004135, MONDO:0008840, OMIM 208900.

Submission:

Labcorp Genetics (formerly Invitae), Labcorp
Classification: Pathogenic for Ataxia-telangiectasia syndrome. Last evaluated: 2024-01-24. Review status: criteria provided, single submitter. Criteria: Invitae Variant Classification Sherloc (09022015). Collection method: clinical testing. Allele origin: germline.
Comment: This sequence change creates a premature translational stop signal (p.Leu1113*) in the ATM gene. It is expected to result in an absent or disrupted protein product. Loss-of-function variants in ATM are known to be pathogenic (PMID: 23807571, 25614872). This variant is not present in population databases (gnomAD no frequency). This variant has not been reported in the literature in individuals affected with ATM-related conditions. For these reasons, this variant has been classified as Pathogenic.

Literature cited by the submitters: PubMed 23807571; PubMed 25614872.